The following is an entry in ClinVar:

NM_006755.2(TALDO1):c.486C>G (p.Ile162Met)

Genes: TALDO1 (transaldolase 1; plus strand), LOC126861110 (CDK7 strongly-dependent group 2 enhancer GRCh37_chr11:762588-763787; plus strand). Cytogenetic location: 11p15.5.
Variant type: single nucleotide variant.
Coding change: c.486C>G on transcript NM_006755.2 (MANE Select); coding-DNA position 486, C replaced by G.
Protein change: p.Ile162Met; replaces isoleucine 162 with methionine.
Molecular consequence: missense variant.
Genome position (GRCh38, 1-based): chr11:763,368, C>G. VCF-style: chr11-763368-C-G. GRCh37 (hg19) VCF-style: chr11-763368-C-G.
Other names: c.486C>G (NM_006755.1); short protein forms I162M.
Identifiers: ClinVar variation 2193304 (VCV002193304.4), dbSNP rs766851420, ClinGen allele CA5788190.
Genomic context (GRCh38, chr11:763,368, plus strand): 5'-TCACCTGCCCCGCCCTCACCTGTCCCCGCCCCGCAGGGAGCTCGAGGAGCAGCACGGCAT[C>G]CACTGCAACATGACGTTACTCTTCTCCTTCGCCCAGGCTGTGGCCTGTGCCGAGGCGGGT-3'
Protein context (NP_006746.1, residues 152-172): AGKELEEQHG[Ile162Met]HCNMTLLFSF

ClinVar aggregate classification (germline): Uncertain significance. Review status: criteria provided, multiple submitters, no conflicts (2 of 4 stars). 3 submissions from 3 submitters: Uncertain significance (3). Last evaluated 2025-08-05.

Conditions:
TALDO1-related disorder. Also called: TALDO1-related condition.
Inborn genetic diseases. Identifiers: MedGen C0950123, MeSH D030342.

Allele frequency attached by ClinVar (database versions not stated): ExAC 0.00001; gnomAD exomes 0.00002; gnomAD 0.00003; TOPMed 0.00004.
gnomAD v4.1: 15 of 1,611,058 alleles (0.00093%); highest among the groups gnomAD compares: Admixed American, 0.022%; no homozygotes.

Submissions (3):

Ambry Genetics
Classification: Uncertain significance for Inborn genetic diseases. Last evaluated: 2025-08-05. Review status: criteria provided, single submitter. Criteria: Ambry Variant Classification Scheme 2023. Collection method: clinical testing. Allele origin: germline.

PreventionGenetics, part of Exact Sciences
Classification: Uncertain significance for TALDO1-related condition. Last evaluated: 2025-02-27. Review status: criteria provided, single submitter. Criteria: ACMG Guidelines, 2015. Collection method: clinical testing. Allele origin: germline.
Comment: The TALDO1 c.486C>G variant is predicted to result in the amino acid substitution p.Ile162Met. To our knowledge, this variant has not been reported in the literature. This variant is reported in 0.026% of alleles in individuals of Latino descent in gnomAD. At this time, the clinical significance of this variant is uncertain due to the absence of conclusive functional and genetic evidence.

Labcorp Genetics (formerly Invitae), Labcorp
Classification: Uncertain significance. Last evaluated: 2023-07-26. Review status: criteria provided, single submitter. Criteria: Invitae Variant Classification Sherloc (09022015). Collection method: clinical testing. Allele origin: germline.
Comment: In summary, the available evidence is currently insufficient to determine the role of this variant in disease. Therefore, it has been classified as a Variant of Uncertain Significance. Advanced modeling of protein sequence and biophysical properties (such as structural, functional, and spatial information, amino acid conservation, physicochemical variation, residue mobility, and thermodynamic stability) performed at Invitae indicates that this missense variant is not expected to disrupt TALDO1 protein function. ClinVar contains an entry for this variant (Variation ID: 2193304). This variant has not been reported in the literature in individuals affected with TALDO1-related conditions. This variant is present in population databases (rs766851420, gnomAD 0.03%). This sequence change replaces isoleucine, which is neutral and non-polar, with methionine, which is neutral and non-polar, at codon 162 of the TALDO1 protein (p.Ile162Met).